The following is an entry in ClinVar:

NM_001113378.2(FANCI):c.772A>G (p.Thr258Ala)

Gene: FANCI (FA complementation group I; plus strand). Cytogenetic location: 15q26.1.
Variant type: single nucleotide variant.
Coding change: c.772A>G on transcript NM_001113378.2 (MANE Select); coding-DNA position 772, A replaced by G.
Protein change: p.Thr258Ala; replaces threonine 258 with alanine.
Molecular consequence: missense variant.
Genome position (GRCh38, 1-based): chr15:89,268,415, A>G. VCF-style: chr15-89268415-A-G. GRCh37 (hg19) VCF-style: chr15-89811646-A-G.
Other names: c.493A>G, p.Thr165Ala (NM_001376910.1); c.772A>G, p.Thr258Ala (NM_001376911.1, NM_018193.3); short protein forms T165A, T258A.
Identifiers: ClinVar variation 1450524 (VCV001450524.6), dbSNP rs773039171, ClinGen allele CA7722767.

ClinVar aggregate classification (germline): Uncertain significance. Review status: criteria provided, multiple submitters, no conflicts (2 of 4 stars). 2 submissions from 2 submitters: Uncertain significance (2). Last evaluated 2025-08-07.

Conditions:
Fanconi anemia (FA). Also called: Fanconi's anemia. Identifiers: Orphanet 84, MedGen C0015625, MeSH D005199, MONDO:0019391.

Allele frequency attached by ClinVar (database versions not stated): gnomAD 0.00004 and 0.00003; ExAC 0.00006; gnomAD exomes 0.00004 and 0.00005; TOPMed 0.00003.
gnomAD v4.1: 79 of 1,614,092 alleles (0.0049%); highest among the groups gnomAD compares: Non-Finnish European, 0.0064%; no homozygotes.

Submissions (2):

Dasa
Classification: Uncertain significance. Last evaluated: 2025-08-07. Review status: criteria provided, single submitter. Criteria: DASA Assertion Criteria. Collection method: clinical testing. Allele origin: germline.
Comment: NM_001113378.2(FANCI):c.772A>G (p.Thr258Ala) is a missense variant that results in the substitution of threonine with alanine. This variant is rare in population databases. Computational prediction algorithms are consistent with a benign effect. The currently available literature and clinical evidence are not sufficient to establish a definitive association between this variant and the reported condition. Therefore, this variant is classified as a variant of uncertain significance.

Labcorp Genetics (formerly Invitae), Labcorp
Classification: Uncertain significance for Fanconi anemia. Last evaluated: 2024-10-14. Review status: criteria provided, single submitter. Criteria: Invitae Variant Classification Sherloc (09022015). Collection method: clinical testing. Allele origin: germline.
Comment: This sequence change replaces threonine, which is neutral and polar, with alanine, which is neutral and non-polar, at codon 258 of the FANCI protein (p.Thr258Ala). This variant is present in population databases (rs773039171, gnomAD 0.009%). This variant has not been reported in the literature in individuals affected with FANCI-related conditions. ClinVar contains an entry for this variant (Variation ID: 1450524). Invitae Evidence Modeling of protein sequence and biophysical properties (such as structural, functional, and spatial information, amino acid conservation, physicochemical variation, residue mobility, and thermodynamic stability) indicates that this missense variant is not expected to disrupt FANCI protein function with a negative predictive value of 80%. In summary, the available evidence is currently insufficient to determine the role of this variant in disease. Therefore, it has been classified as a Variant of Uncertain Significance.